The following is an entry in ClinVar:

ClinVar aggregate classification (germline): Pathogenic (1 of 4 stars; one submission).

Conditions:
Charcot-Marie-Tooth disease type 4. Also called: Charcot-Marie-Tooth, Type 4; Charcot-Marie-Tooth disease, type IV. Identifiers: Orphanet 64749, MedGen C4082197, MONDO:0018995.

Allele frequency attached by ClinVar (database versions not stated): TOPMed 0.00001.

Submission:

Labcorp Genetics (formerly Invitae), Labcorp
Classification: Pathogenic for Charcot-Marie-Tooth disease type 4. Last evaluated: 2023-09-19. Review status: criteria provided, single submitter. Criteria: Invitae Variant Classification Sherloc (09022015). Collection method: clinical testing. Allele origin: germline.
Comment: Algorithms developed to predict the effect of sequence changes on RNA splicing suggest that this variant may disrupt the consensus splice site. ClinVar contains an entry for this variant (Variation ID: 2066168). This variant has not been reported in the literature in individuals affected with SBF2-related conditions. This variant is not present in population databases (gnomAD no frequency). This sequence change creates a premature translational stop signal (p.Gln111*) in the SBF2 gene. It is expected to result in an absent or disrupted protein product. Loss-of-function variants in SBF2 are known to be pathogenic (PMID: 12687498, 25873783). For these reasons, this variant has been classified as Pathogenic.

Literature cited by the submitters: PubMed 12687498; PubMed 25873783.

NM_030962.4(SBF2):c.331C>T (p.Gln111Ter)

Gene: SBF2 (SET binding factor 2; minus strand). Cytogenetic location: 11p15.4.
Variant type: single nucleotide variant.
Coding change: c.331C>T on transcript NM_030962.4 (MANE Select); coding-DNA position 331, C replaced by T.
Protein change: p.Gln111Ter; replaces glutamine 111 with a stop codon.
Molecular consequence: nonsense.
Genome position (GRCh38, 1-based): chr11:10,031,119, G>A on the plus strand (C>T on the coding strand, the complement: SBF2 is on the minus strand). VCF-style: chr11-10031119-G-A. GRCh37 (hg19) VCF-style: chr11-10052666-G-A.
Other names: c.331C>T, p.Gln111Ter (NM_001386339.1, NM_001386342.1); short protein forms Q111*.
Identifiers: ClinVar variation 2066168 (VCV002066168.4), dbSNP rs1345928305, ClinGen allele CA379646675.
Genomic context (GRCh38, chr11:10,031,119, plus strand): 5'-CTGGATAATATAATCTGGATACCAACACCAGGCTTTTGGGAGCAAACACTTCTGCAGGCT[G>A]AATTAAACCAGACACTTTTGCTTCACCTTCAATCTCTTCCTTCTTTGTTCCCTAGAAAAA-3'